The following is an entry in ClinVar:

NM_002830.4(PTPN4):c.1020A>G (p.Gln340=)

Gene: PTPN4 (protein tyrosine phosphatase non-receptor type 4; plus strand). Cytogenetic location: 2q14.2.
Variant type: single nucleotide variant.
Coding change: c.1020A>G on transcript NM_002830.4 (MANE Select); coding-DNA position 1020, A replaced by G.
Protein change: p.Gln340=; no amino-acid change (glutamine 340 retained).
Molecular consequence: synonymous variant.
Genome position (GRCh38, 1-based): chr2:119,926,616, A>G. VCF-style: chr2-119926616-A-G. GRCh37 (hg19) VCF-style: chr2-120684192-A-G.
Identifiers: ClinVar variation 3036828 (VCV003036828.2), dbSNP rs199855189, ClinGen allele CA1849465.

ClinVar aggregate classification (germline): Likely benign (0 of 4 stars; one submission).

Conditions:
PTPN4-related disorder. Also called: PTPN4-Related Disorders; PTPN4-related condition.

Allele frequency attached by ClinVar (database versions not stated): TOPMed 0.00008; gnomAD exomes 0.00009; gnomAD 0.00013; ExAC 0.00025; 1000 Genomes Project 30x 0.00094; 1000 Genomes Project 0.00120.
gnomAD v4.1: 151 of 1,599,192 alleles (0.0094%); highest among the groups gnomAD compares: South Asian, 0.061%; 1 homozygote.

Submission:

PreventionGenetics, part of Exact Sciences
Classification: Likely benign for PTPN4-related condition. Last evaluated: 2023-01-31. Review status: no assertion criteria provided. Collection method: clinical testing. Allele origin: germline.
Comment: This variant is classified as likely benign based on ACMG/AMP sequence variant interpretation guidelines (Richards et al. 2015 PMID: 25741868, with internal and published modifications).